The following is an entry in ClinVar:

ClinVar aggregate classification (germline): Uncertain significance (1 of 4 stars; one submission).

Conditions:
Cardiomyopathy (CMYO). Also called: Cardiomyopathies. Identifiers: Orphanet 167848, MedGen C0878544, MONDO:0004994, HP:0001638. Inheritance: Various modes of inheritance.

gnomAD v4.1: 2 of 1,612,056 alleles (0.00012%); highest among the groups gnomAD compares: South Asian, 0.0022%; no homozygotes.

Submission:

Color Diagnostics, LLC DBA Color Health
Classification: Uncertain significance for Cardiomyopathy. Last evaluated: 2024-03-06. Review status: criteria provided, single submitter. Criteria: ACMG Guidelines, 2015. Collection method: clinical testing. Allele origin: germline.
Comment: This missense variant replaces alanine with serine at codon 75 of the TNNI3 protein. Computational prediction suggests that this variant may not impact protein structure and function (internally defined REVEL score threshold <= 0.5, PMID: 27666373). To our knowledge, functional studies have not been reported for this variant. This variant has not been reported in individuals affected with cardiovascular disorders in the literature. This variant has not been identified in the general population by the Genome Aggregation Database (gnomAD). The available evidence is insufficient to determine the role of this variant in disease conclusively. Therefore, this variant is classified as a Variant of Uncertain Significance.

NM_000363.5(TNNI3):c.223G>T (p.Ala75Ser)

Gene: TNNI3 (troponin I3, cardiac type; minus strand). Cytogenetic location: 19q13.42.
Variant type: single nucleotide variant.
Coding change: c.223G>T on transcript NM_000363.5 (MANE Select); coding-DNA position 223, G replaced by T.
Protein change: p.Ala75Ser; replaces alanine 75 with serine.
Molecular consequence: missense variant.
Genome position (GRCh38, 1-based): chr19:55,156,260, C>A on the plus strand (G>T on the coding strand, the complement: TNNI3 is on the minus strand). VCF-style: chr19-55156260-C-A. GRCh37 (hg19) VCF-style: chr19-55667628-C-A.
Other names: short protein forms A75S.
Identifiers: ClinVar variation 1331885 (VCV001331885.3), dbSNP rs1187997222, ClinGen allele CA407441785.